The following is an entry in ClinVar:

NM_000702.4(ATP1A2):c.1453A>T (p.Lys485Ter)

Gene: ATP1A2 (ATPase Na+/K+ transporting subunit alpha 2; plus strand). Cytogenetic location: 1q23.2.
Variant type: single nucleotide variant.
Coding change: c.1453A>T on transcript NM_000702.4 (MANE Select); coding-DNA position 1453, A replaced by T.
Protein change: p.Lys485Ter; replaces lysine 485 with a stop codon.
Molecular consequence: nonsense.
Genome position (GRCh38, 1-based): chr1:160,129,392, A>T. VCF-style: chr1-160129392-A-T. GRCh37 (hg19) VCF-style: chr1-160099182-A-T.
Other names: c.1453A>T (NM_000702.3); short protein forms K485*.
Identifiers: ClinVar variation 1356232 (VCV001356232.7), dbSNP rs2101989829, ClinGen allele CA343242499.

ClinVar aggregate classification (germline): Pathogenic. Review status: criteria provided, multiple submitters, no conflicts (2 of 4 stars). 2 submissions from 2 submitters: Pathogenic (2). Last evaluated 2024-05-21.

Conditions:
Familial hemiplegic migraine. Identifiers: MedGen C0338484, MONDO:0000700.
Inborn genetic diseases. Identifiers: MedGen C0950123, MeSH D030342.

Submissions (2):

Ambry Genetics
Classification: Pathogenic for Inborn genetic diseases. Last evaluated: 2024-05-21. Review status: criteria provided, single submitter. Criteria: Ambry Variant Classification Scheme 2023. Collection method: clinical testing. Allele origin: germline.
Comment: The c.1453A>T (p.K485*) alteration, located in exon 11 (coding exon 11) of the ATP1A2 gene, consists of a A to T substitution at nucleotide position 1453. This changes the amino acid from a lysine (K) to a stop codon at amino acid position 485. Although biallelic loss of function of ATP1A2 has been associated with autosomal recessive ATP1A2-related cortical malformation syndrome, haploinsufficiency of ATP1A2 has not been established as a mechanism of disease for autosomal dominant ATP1A2-related neurologic disorders. for autosomal recessive ATP1A2-related cortical malformation syndrome; however, its clinical significance for autosomal dominant ATP1A2-related neurologic disorders is uncertain. This variant was not reported in population-based cohorts in the Genome Aggregation Database (gnomAD). Based on the available evidence, this alteration is classified as pathogenic.

Labcorp Genetics (formerly Invitae), Labcorp
Classification: Pathogenic for Familial hemiplegic migraine. Last evaluated: 2022-09-19. Review status: criteria provided, single submitter. Criteria: Invitae Variant Classification Sherloc (09022015). Collection method: clinical testing. Allele origin: germline.
Comment: This variant is not present in population databases (gnomAD no frequency). For these reasons, this variant has been classified as Pathogenic. Algorithms developed to predict the effect of sequence changes on RNA splicing suggest that this variant may create or strengthen a splice site. ClinVar contains an entry for this variant (Variation ID: 1356232). This variant has not been reported in the literature in individuals affected with ATP1A2-related conditions. This sequence change creates a premature translational stop signal (p.Lys485*) in the ATP1A2 gene. It is expected to result in an absent or disrupted protein product. Loss-of-function variants in ATP1A2 are known to be pathogenic (PMID: 30690204).

Literature cited by the submitters: PubMed 30690204 (cited by Labcorp Genetics (formerly Invitae), Labcorp).